The following is an entry in ClinVar:

ClinVar aggregate classification (germline): Benign. Review status: criteria provided, multiple submitters, no conflicts (2 of 4 stars). 4 submissions from 4 submitters: Benign (3). 1 of the submissions does not count toward it. Last evaluated 2026-01-26.

Conditions:
IL17RA-related disorder. Also called: IL17RA-related condition.
Immunodeficiency 51 (IMD51). Also called: CANDIDIASIS, FAMILIAL, 5. Identifiers: Orphanet 1334, MedGen C4310803, MONDO:0013500, OMIM 613953.

Allele frequency attached by ClinVar (database versions not stated): gnomAD exomes 0.00223 and 0.00595; ExAC 0.01002; 1000 Genomes Project 0.02196; 1000 Genomes Project 30x 0.02264; ESP Exome Variant Server 0.02504; gnomAD 0.02521 and 0.02725; TOPMed 0.02835.
gnomAD v4.1: 7,193 of 1,599,924 alleles (0.45%); highest among the groups gnomAD compares: African/African-American, 8.6%; 281 homozygotes.

Submissions (4):

Labcorp Genetics (formerly Invitae), Labcorp
Classification: Benign for Immunodeficiency 51. Last evaluated: 2026-01-26. Review status: criteria provided, single submitter. Criteria: Invitae Variant Classification Sherloc (09022015). Collection method: clinical testing. Allele origin: germline.

Illumina Laboratory Services, Illumina
Classification: Benign for Immunodeficiency 51. Last evaluated: 2018-01-12. Review status: criteria provided, single submitter. Criteria: ICSL Variant Classification Criteria 13 December 2019. Collection method: clinical testing. Allele origin: germline.
Comment: This variant was observed in the ICSL laboratory as part of a predisposition screen in an ostensibly healthy population. It had not been previously curated by ICSL or reported in the Human Gene Mutation Database (HGMD: prior to June 1st, 2018), and was therefore a candidate for classification through an automated scoring system. Utilizing variant allele frequency, disease prevalence and penetrance estimates, and inheritance mode, an automated score was calculated to assess if this variant is too frequent to cause the disease. Based on the score and internal cut-off values, a variant classified as benign is not then subjected to further curation. The score for this variant resulted in a classification of benign for this disease.

Breakthrough Genomics
Classification: Benign. Review status: criteria provided, single submitter. Criteria: ACMG Guidelines, 2015. Collection method: not provided. Allele origin: germline. Inheritance: Autosomal recessive inheritance. Affected: yes.

PreventionGenetics, part of Exact Sciences
Classification: Benign for IL17RA-related condition. Last evaluated: 2019-04-01. Review status: no assertion criteria provided. Collection method: clinical testing. Allele origin: germline. Not counted in ClinVar's aggregate classification.
Comment: This variant is classified as benign based on ACMG/AMP sequence variant interpretation guidelines (Richards et al. 2015 PMID: 25741868, with internal and published modifications).

NM_014339.7(IL17RA):c.2295G>A (p.Gln765=)

Gene: IL17RA (interleukin 17 receptor A; plus strand). Cytogenetic location: 22q11.1.
Variant type: single nucleotide variant.
Coding change: c.2295G>A on transcript NM_014339.7 (MANE Select); coding-DNA position 2295, G replaced by A.
Protein change: p.Gln765=; no amino-acid change (glutamine 765 retained).
Molecular consequence: synonymous variant.
Genome position (GRCh38, 1-based): chr22:17,109,514, G>A. VCF-style: chr22-17109514-G-A. GRCh37 (hg19) VCF-style: chr22-17590404-G-A.
Other names: c.2193G>A, p.Gln731= (NM_001289905.2).
Identifiers: ClinVar variation 340611 (VCV000340611.18), dbSNP rs41482444, ClinGen allele CA10086962.